The following is an entry in ClinVar:

ClinVar aggregate classification (germline): Benign/Likely benign. Review status: criteria provided, multiple submitters, no conflicts (2 of 4 stars). 19 submissions from 19 submitters: Benign (10); Likely benign (4). 5 of the submissions do not count toward it. Last evaluated 2026-09-21.

Conditions:
Cardiovascular phenotype. Identifiers: MedGen CN230736.
Cardiomyopathy (CMYO). Also called: Cardiomyopathies. Identifiers: Orphanet 167848, MedGen C0878544, MONDO:0004994, HP:0001638. Inheritance: Various modes of inheritance.
Arrhythmogenic right ventricular dysplasia 9 (ARVD9). Also called: Arrhythmogenic Right Ventricular Dysplasia/Cardiomyopathy 9; ARRHYTHMOGENIC RIGHT VENTRICULAR DYSPLASIA, FAMILIAL, 9. Identifiers: MedGen C1836906, MONDO:0012180, OMIM 609040.

Allele frequency attached by ClinVar (database versions not stated): 1000 Genomes Project 30x 0.00250; 1000 Genomes Project 0.00319; gnomAD 0.00660 and 0.00677; ExAC 0.00754; ESP Exome Variant Server 0.00191; TOPMed 0.00203.
gnomAD v4.1: 7,473 of 1,589,246 alleles (0.47%); highest among the groups gnomAD compares: Non-Finnish European, 0.4%; 87 homozygotes.

Submissions (19):

Molecular Diagnostic Laboratory for Inherited Cardiovascular Disease, Montreal Heart Institute
Classification: Likely benign. Last evaluated: 2026-09-21. Review status: criteria provided, single submitter. Criteria: ACMG Guidelines, 2015. Collection method: clinical testing. Allele origin: germline. Affected: no.
Comment: BS1;BP4

CeGaT Center for Human Genetics Tuebingen
Classification: Benign. Last evaluated: 2026-08-01. Review status: criteria provided, single submitter. Criteria: CeGaT Center For Human Genetics Tuebingen Variant Classification Criteria Version 2. Collection method: clinical testing. Allele origin: germline. Affected: yes. Observed: 11 variant alleles.
Comment: PKP2: BS1, BS2

Labcorp Genetics (formerly Invitae), Labcorp
Classification: Benign for Arrhythmogenic right ventricular dysplasia 9. Last evaluated: 2026-02-03. Review status: criteria provided, single submitter. Criteria: Invitae Variant Classification Sherloc (09022015). Collection method: clinical testing. Allele origin: germline.

ARUP Laboratories, Molecular Genetics and Genomics, ARUP Laboratories
Classification: Benign for Arrhythmogenic right ventricular dysplasia 9. Last evaluated: 2025-03-05. Review status: criteria provided, single submitter. Criteria: ARUP Molecular Germline Variant Investigation Process 2024. Collection method: clinical testing. Allele origin: germline.

Blueprint Genetics
Classification: Likely benign. Last evaluated: 2024-11-26. Review status: criteria provided, single submitter. Criteria: ACMG Guidelines, 2015. Collection method: clinical testing. Allele origin: germline.

Color Diagnostics, LLC DBA Color Health
Classification: Benign for Cardiomyopathy. Last evaluated: 2018-03-13. Review status: criteria provided, single submitter. Criteria: ACMG Guidelines, 2015. Collection method: clinical testing. Allele origin: germline.

Illumina Laboratory Services, Illumina
Classification: Likely benign for Arrhythmogenic right ventricular dysplasia 9. Last evaluated: 2018-01-12. Review status: criteria provided, single submitter. Criteria: ICSL Variant Classification Criteria 13 December 2019. Collection method: clinical testing. Allele origin: germline.
Comment: This variant was observed in the ICSL laboratory as part of a predisposition screen in an ostensibly healthy population. It had not been previously curated by ICSL or reported in the Human Gene Mutation Database (HGMD: prior to June 1st, 2018), and was therefore a candidate for classification through an automated scoring system. Utilizing variant allele frequency, disease prevalence and penetrance estimates, and inheritance mode, an automated score was calculated to assess if this variant is too frequent to cause the disease. Based on the score and internal cut-off values, a variant classified as likely benign is not then subjected to further curation. The score for this variant resulted in a classification of likely benign for this disease.

Mayo Clinic Laboratories, Mayo Clinic
Classification: Benign. Last evaluated: 2017-04-27. Review status: criteria provided, single submitter. Criteria: ACMG Guidelines, 2015. Collection method: clinical testing. Allele origin: germline. Observed: 9 variant alleles.

Eurofins Ntd Llc (ga)
Classification: Benign. Last evaluated: 2015-06-30. Review status: criteria provided, single submitter. Criteria: EGL Classification Definitions 2015. Collection method: clinical testing. Allele origin: germline. Observed: 1 variant allele, 1 heterozygote.

Laboratory for Molecular Medicine, Mass General Brigham Personalized Medicine
Classification: Benign. Last evaluated: 2015-05-01. Review status: criteria provided, single submitter. Criteria: LMM Criteria. Collection method: clinical testing. Allele origin: germline. Observed: 16 variant alleles.
Comment: p.Glu58Asp in exon 1 of PKP2: This variant is not expected to have clinical sign ificance because it was detected in 6.3% (284/4446) Finnish chromosomes, includi ng 5 homozygotes, and 0.7% (377/51932) of European chromosomes by the Exome Aggr egation Consortium (ExAC; dbSNP rs146708884).

Ambry Genetics
Classification: Benign for Cardiovascular phenotype. Last evaluated: 2014-12-08. Review status: criteria provided, single submitter. Criteria: Ambry Variant Classification Scheme 2023. Collection method: clinical testing. Allele origin: germline.

GeneDx
Classification: Benign. Last evaluated: 2013-08-09. Review status: criteria provided, single submitter. Criteria: GeneDx Variant Classification (06012015). Collection method: clinical testing. Allele origin: germline. Affected: yes.
Comment: This variant is considered likely benign or benign based on one or more of the following criteria: it is a conservative change, it occurs at a poorly conserved position in the protein, it is predicted to be benign by multiple in silico algorithms, and/or has population frequency not consistent with disease.

Biesecker Lab/Clinical Genomics Section, National Institutes of Health
Classification: Benign. Last evaluated: 2013-06-24. Review status: criteria provided, single submitter. Criteria: Ng et al. (Circ Cardiovasc Genet. 2013). Collection method: research. Allele origin: unknown. Observed: 2 variant alleles. Study: ClinSeq.
Comment: The study set was not selected for affection status in relation to any cancer. Pathogenicity categories were based on literature curation. See Pubmed ID:23861362 for details.

Medical sequencing

Breakthrough Genomics
Classification: Likely benign. Review status: criteria provided, single submitter. Criteria: ACMG Guidelines, 2015. Collection method: not provided. Allele origin: germline. Inheritance: Autosomal dominant inheritance. Affected: yes.

Clinical Genetics DNA and cytogenetics Diagnostics Lab, Erasmus MC, Erasmus Medical Center
Classification: Benign. Review status: no assertion criteria provided. Collection method: clinical testing. Allele origin: germline. Affected: yes. Study: VKGL Data-share Consensus. Not counted in ClinVar's aggregate classification.

Clinical Genetics, Academic Medical Center
Classification: Benign. Review status: no assertion criteria provided. Collection method: clinical testing. Allele origin: germline. Affected: yes. Study: VKGL Data-share Consensus. Not counted in ClinVar's aggregate classification.

Diagnostic Laboratory, Department of Genetics, University Medical Center Groningen
Classification: Likely benign. Review status: no assertion criteria provided. Collection method: clinical testing. Allele origin: germline. Affected: yes. Study: VKGL Data-share Consensus. Not counted in ClinVar's aggregate classification.

Genome Diagnostics Laboratory, University Medical Center Utrecht
Classification: Likely benign. Review status: no assertion criteria provided. Collection method: clinical testing. Allele origin: germline. Affected: yes. Study: VKGL Data-share Consensus. Not counted in ClinVar's aggregate classification.

Joint Genome Diagnostic Labs from Nijmegen and Maastricht, Radboudumc and MUMC+
Classification: Benign. Review status: no assertion criteria provided. Collection method: clinical testing. Allele origin: germline. Affected: yes. Study: VKGL Data-share Consensus. Not counted in ClinVar's aggregate classification.

Literature cited by the submitters: PubMed 17521752 (cited by Laboratory for Molecular Medicine, Mass General Brigham Personalized Medicine).

NM_001005242.3(PKP2):c.174G>T (p.Glu58Asp)

Gene: PKP2 (plakophilin 2; minus strand). Cytogenetic location: 12p11.21.
Variant type: single nucleotide variant.
Coding change: c.174G>T on transcript NM_001005242.3 (MANE Select); coding-DNA position 174, G replaced by T.
Protein change: p.Glu58Asp; replaces glutamic acid 58 with aspartic acid.
Molecular consequence: missense variant.
Genome position (GRCh38, 1-based): chr12:32,896,558, C>A on the plus strand (G>T on the coding strand, the complement: PKP2 is on the minus strand). VCF-style: chr12-32896558-C-A. GRCh37 (hg19) VCF-style: chr12-33049492-C-A.
Other names: p.E58D:GAG>GAT; c.174G>T, p.Glu58Asp (NM_004572.4); short protein forms E58D.
Identifiers: ClinVar variation 45043 (VCV000045043.79), dbSNP rs146708884, ClinGen allele CA011366.